The following is an entry in ClinVar:

NR_002196.3(H19):n.1977T>C

Genes: H19 (H19 imprinted maternally expressed transcript; minus strand), HOTS (H19 opposite tumor suppressor; plus strand), MRPL23 (mitochondrial ribosomal protein L23; plus strand). Cytogenetic location: 11p15.5.
Variant type: single nucleotide variant.
Molecular consequence: non-coding transcript variant (on NR_002196.3). On other transcripts: intron variant (1).
Genome position: GRCh38 VCF-style: chr11-1995514-A-G. GRCh37 (hg19) VCF-style: chr11-2016744-A-G.
Other names: c.498-16027A>G (NM_001400176.1).
Identifiers: ClinVar variation 3052650 (VCV003052650.2), dbSNP rs560561084, ClinGen allele CA5817170.
Genomic context (GRCh38, chr11:1,995,514, plus strand): 5'-AACTCCAACCAGTGCAAATGACTTAGTGCAAATTAAATTCAGAAGGGACGGGGGAAACAG[A>G]GTCGTGGAGGCTTTGAATCTCTCAGAAAAAAGGAAAGACAGGAAAGCTCAGAAACAAAGA-3'

ClinVar aggregate classification (germline): Likely benign (0 of 4 stars; one submission).

Conditions:
H19-related disorder. Also called: H19-related condition.

Allele frequency attached by ClinVar (database versions not stated): 1000 Genomes Project 0.00060; ExAC 0.00016.

Submission:

PreventionGenetics, part of Exact Sciences
Classification: Likely benign for H19-related condition. Last evaluated: 2019-08-21. Review status: no assertion criteria provided. Collection method: clinical testing. Allele origin: germline.
Comment: This variant is classified as likely benign based on ACMG/AMP sequence variant interpretation guidelines (Richards et al. 2015 PMID: 25741868, with internal and published modifications).